The following is an entry in ClinVar:

ClinVar aggregate classification (germline): Uncertain significance (1 of 4 stars; one submission).

Conditions:
Tuberous sclerosis 1 (TSC1). Identifiers: Orphanet 805, MedGen C1854465, MONDO:0008612, OMIM 191100.

Allele frequency attached by ClinVar (database versions not stated): gnomAD 0.00001.
gnomAD v4.1: 1 of 1,613,998 alleles (0.000062%); highest among the groups gnomAD compares: Non-Finnish European, 0.000085%; no homozygotes.

Submission:

Labcorp Genetics (formerly Invitae), Labcorp
Classification: Uncertain significance for Tuberous sclerosis 1. Last evaluated: 2023-04-04. Review status: criteria provided, single submitter. Criteria: Invitae Variant Classification Sherloc (09022015). Collection method: clinical testing. Allele origin: germline.
Comment: This sequence change replaces leucine, which is neutral and non-polar, with phenylalanine, which is neutral and non-polar, at codon 543 of the TSC1 protein (p.Leu543Phe). This variant is not present in population databases (gnomAD no frequency). This variant has not been reported in the literature in individuals affected with TSC1-related conditions. ClinVar contains an entry for this variant (Variation ID: 1356327). Advanced modeling of protein sequence and biophysical properties (such as structural, functional, and spatial information, amino acid conservation, physicochemical variation, residue mobility, and thermodynamic stability) performed at Invitae indicates that this missense variant is not expected to disrupt TSC1 protein function. In summary, the available evidence is currently insufficient to determine the role of this variant in disease. Therefore, it has been classified as a Variant of Uncertain Significance.

NM_000368.5(TSC1):c.1627C>T (p.Leu543Phe)

Gene: TSC1 (TSC complex subunit 1; minus strand). Cytogenetic location: 9q34.13.
Variant type: single nucleotide variant.
Coding change: c.1627C>T on transcript NM_000368.5 (MANE Select); coding-DNA position 1627, C replaced by T.
Protein change: p.Leu543Phe; replaces leucine 543 with phenylalanine.
Molecular consequence: missense variant.
Genome position (GRCh38, 1-based): chr9:132,905,951, G>A on the plus strand (C>T on the coding strand, the complement: TSC1 is on the minus strand). VCF-style: chr9-132905951-G-A. GRCh37 (hg19) VCF-style: chr9-135781338-G-A.
Other names: c.1624C>T, p.Leu542Phe (NM_001162426.2); c.1474C>T, p.Leu492Phe (NM_001162427.2); c.1264C>T, p.Leu422Phe (NM_001362177.2); short protein forms L492F, L543F, L422F, L542F.
Identifiers: ClinVar variation 1356327 (VCV001356327.8), dbSNP rs1845641287, ClinGen allele CA375364608.